The following is an entry in ClinVar:

NM_000465.4(BARD1):c.338A>T (p.Asn113Ile)

Gene: BARD1 (BRCA1 associated RING domain 1; minus strand). Cytogenetic location: 2q35.
Variant type: single nucleotide variant.
Coding change: c.338A>T on transcript NM_000465.4 (MANE Select); coding-DNA position 338, A replaced by T.
Protein change: p.Asn113Ile; replaces asparagine 113 with isoleucine.
Molecular consequence: missense variant. On other transcripts: non-coding transcript variant (1), intron variant (2).
Genome position (GRCh38, 1-based): chr2:214,792,323, T>A on the plus strand (A>T on the coding strand, the complement: BARD1 is on the minus strand). VCF-style: chr2-214792323-T-A. GRCh37 (hg19) VCF-style: chr2-215657047-T-A.
Other names: p.N113I:AAT>ATT; c.281A>T, p.Asn94Ile (NM_001282543.2); c.338A>T, p.Asn113Ile (NM_001282549.2); c.158+17089A>T (NM_001282548.2); c.215+4738A>T (NM_001282545.2); short protein forms N113I, N94I.
Identifiers: ClinVar variation 182032 (VCV000182032.2), dbSNP rs730881407, ClinGen allele CA298436.

ClinVar aggregate classification (germline): Uncertain significance (1 of 4 stars; one submission).

Submission:

GeneDx
Classification: Uncertain significance. Last evaluated: 2014-08-19. Review status: criteria provided, single submitter. Criteria: GeneDx Variant Classification (06012015). Collection method: clinical testing. Allele origin: germline. Affected: yes.
Comment: This variant is denoted BARD1 c.338A>T at the cDNA level, p.Asn113Ile (N113I) at the protein level, and results in the change of an Asparagine to an Isoleucine (AAT>ATT) in exon 3. This variant has not, to our knowledge, been published in the literature as either a mutation or a benign polymorphism. BARD1 Asn113Ile was not observed in approximately 6,500 individuals of European and African American ancestry in the NHLBI Exome Sequencing Project, indicating it is not a common benign variant in these populations. Since Asparagine and Isoleucine differ in polarity, charge, size or other properties, this is considered a non-conservative amino acid substitution. BARD1 Asn113Ile alters a position that is conserved through mammals and is located in the region of interaction with BRCA1 (UniProt). In silico analyses predict that this variant is probably damaging to protein structure and function. Based on currently available information, it is unclear whether BARD1 Asn113Ile is a pathogenic mutation or a benign variant. The variant is found in BR-OV-HEREDIC panel(s).